The following is an entry in ClinVar:

ClinVar aggregate classification (germline): Conflicting classifications of pathogenicity. Review status: criteria provided, conflicting classifications (1 of 4 stars). 7 submissions from 7 submitters: Uncertain significance (3); Likely benign (4). Last evaluated 2026-09-01.

Conditions:
Cardiomyopathy (CMYO). Also called: Cardiomyopathies. Identifiers: Orphanet 167848, MedGen C0878544, MONDO:0004994, HP:0001638. Inheritance: Various modes of inheritance.
Cardiovascular phenotype. Identifiers: MedGen CN230736.
Dilated cardiomyopathy 1DD (CMD1DD). Identifiers: Orphanet 154, MedGen C2750995, MONDO:0013168, OMIM 613172.

Allele frequency attached by ClinVar (database versions not stated): TOPMed 0.00001.
gnomAD v4.1: 49 of 1,551,734 alleles (0.0032%); highest among the groups gnomAD compares: South Asian, 0.048%; 1 homozygote.

Submissions (7):

CeGaT Center for Human Genetics Tuebingen
Classification: Likely benign. Last evaluated: 2026-09-01. Review status: criteria provided, single submitter. Criteria: CeGaT Center For Human Genetics Tuebingen Variant Classification Criteria Version 2. Collection method: clinical testing. Allele origin: germline. Affected: yes. Observed: 1 variant allele.
Comment: RBM20: BP4

Ambry Genetics
Classification: Likely benign for Cardiovascular phenotype. Last evaluated: 2025-10-27. Review status: criteria provided, single submitter. Criteria: Ambry Variant Classification Scheme 2023. Collection method: clinical testing. Allele origin: germline.

Labcorp Genetics (formerly Invitae), Labcorp
Classification: Likely benign for Dilated cardiomyopathy 1DD. Last evaluated: 2025-07-20. Review status: criteria provided, single submitter. Criteria: Invitae Variant Classification Sherloc (09022015). Collection method: clinical testing. Allele origin: germline.

Mayo Clinic Laboratories, Mayo Clinic
Classification: Uncertain significance. Last evaluated: 2025-05-04. Review status: criteria provided, single submitter. Criteria: ACMG Guidelines, 2015. Collection method: clinical testing. Allele origin: germline. Observed: 1 variant allele.
Comment: BP4_moderate

GeneDx
Classification: Uncertain significance. Last evaluated: 2025-02-10. Review status: criteria provided, single submitter. Criteria: GeneDx Variant Classification Process June 2021. Collection method: clinical testing. Allele origin: germline.
Comment: Has not been previously published as pathogenic or benign to our knowledge; In silico analysis indicates that this missense variant does not alter protein structure/function

Women's Health and Genetics/Laboratory Corporation of America, LabCorp
Classification: Likely benign. Last evaluated: 2024-06-17. Review status: criteria provided, single submitter. Criteria: LabCorp Variant Classification Summary - May 2015. Collection method: clinical testing. Allele origin: germline.

CHEO Genetics Diagnostic Laboratory, Children's Hospital of Eastern Ontario
Classification: Uncertain significance for Cardiomyopathy. Last evaluated: 2023-05-29. Review status: criteria provided, single submitter. Criteria: ACMG Guidelines, 2015. Collection method: clinical testing. Allele origin: germline.

NM_001134363.3(RBM20):c.2362G>T (p.Ala788Ser)

Gene: RBM20 (RNA binding motif protein 20; plus strand). Cytogenetic location: 10q25.2.
Variant type: single nucleotide variant.
Coding change: c.2362G>T on transcript NM_001134363.3 (MANE Select); coding-DNA position 2362, G replaced by T.
Protein change: p.Ala788Ser; replaces alanine 788 with serine.
Molecular consequence: missense variant.
Genome position (GRCh38, 1-based): chr10:110,812,759, G>T. VCF-style: chr10-110812759-G-T. GRCh37 (hg19) VCF-style: chr10-112572517-G-T.
Other names: p.Ala788Ser; short protein forms A788S.
Identifiers: ClinVar variation 1044305 (VCV001044305.16), dbSNP rs765544509, ClinGen allele CA5688686.
Genomic context (GRCh38, chr10:110,812,759, plus strand): 5'-TCGGACAAGTATCTGAAGCAGCAGCAGGATGCCCCCGGGAGGTCCAGGAGGAAAGACGAG[G>T]CCAGGCTGCGGGAAAGCAGACACCCCCATCCGGATGACTCAGGCAAGGAAGATGGGCTGG-3'
Protein context (NP_001127835.2, residues 778-798): APGRSRRKDE[Ala788Ser]RLRESRHPHP